The following is an entry in ClinVar:

NM_001005337.3(PKP1):c.1184G>A (p.Arg395Gln)

Gene: PKP1 (plakophilin 1; plus strand). Cytogenetic location: 1q32.1.
Variant type: single nucleotide variant.
Coding change: c.1184G>A on transcript NM_001005337.3 (MANE Select); coding-DNA position 1184, G replaced by A.
Protein change: p.Arg395Gln; replaces arginine 395 with glutamine.
Molecular consequence: missense variant.
Genome position (GRCh38, 1-based): chr1:201,318,747, G>A. VCF-style: chr1-201318747-G-A. GRCh37 (hg19) VCF-style: chr1-201287875-G-A.
Other names: c.1184G>A, p.Arg395Gln (NM_000299.4); short protein forms R395Q.
Identifiers: ClinVar variation 4988494 (VCV004988494.1).

ClinVar aggregate classification (germline): Uncertain significance (1 of 4 stars; one submission).

Conditions:
PKP1-related disorder. Also called: PKP1-related condition.

gnomAD v4.1: 46 of 1,610,932 alleles (0.0029%); highest among the groups gnomAD compares: Admixed American, 0.0067%; no homozygotes.

Submission:

PreventionGenetics, part of Exact Sciences
Classification: Uncertain significance for PKP1-related condition. Last evaluated: 2026-03-11. Review status: criteria provided, single submitter. Criteria: ACMG Guidelines, 2015. Collection method: clinical testing. Allele origin: germline.
Comment: The PKP1 c.1184G>A variant is predicted to result in the amino acid substitution p.Arg395Gln. To our knowledge, this variant has not been reported in the literature. This variant is reported in 0.0087% of alleles in individuals of Latino descent in gnomAD. At this time, the clinical significance of this variant is uncertain due to the absence of conclusive functional and genetic evidence.